The following is an entry in ClinVar:

ClinVar aggregate classification (germline): Likely benign. Review status: criteria provided, multiple submitters, no conflicts (2 of 4 stars). 3 submissions from 3 submitters: Likely benign (3). Last evaluated 2025-10-22.

Conditions:
Hereditary cancer-predisposing syndrome. Also called: Neoplastic Syndromes, Hereditary; Hereditary neoplastic syndrome; Hereditary Cancer Syndrome; Tumor predisposition. Identifiers: Orphanet 140162, MedGen C0027672, MeSH D009386, MONDO:0015356.
POLD1-related polyposis and colorectal cancer syndrome (CRCS10). Also called: Colorectal cancer, susceptibility to, 10; Colorectal cancer 10; COLORECTAL CANCER, SUSCEPTIBILITY TO, ON CHROMOSOME 19q. Identifiers: Orphanet 220460, MedGen C2675481, MONDO:0012953, OMIM 612591.

Submissions (3):

Ambry Genetics
Classification: Likely benign for Hereditary cancer-predisposing syndrome. Last evaluated: 2025-10-22. Review status: criteria provided, single submitter. Criteria: Ambry Variant Classification Scheme 2023. Collection method: clinical testing. Allele origin: germline.

Labcorp Genetics (formerly Invitae), Labcorp
Classification: Likely benign for POLD1-related polyposis and colorectal cancer syndrome. Last evaluated: 2022-11-18. Review status: criteria provided, single submitter. Criteria: Invitae Variant Classification Sherloc (09022015). Collection method: clinical testing. Allele origin: germline.

GeneDx
Classification: Likely benign. Last evaluated: 2016-06-23. Review status: criteria provided, single submitter. Criteria: GeneDx Variant Classification (06012015). Collection method: clinical testing. Allele origin: germline. Affected: yes.
Comment: This variant is considered likely benign or benign based on one or more of the following criteria: it is a conservative change, it occurs at a poorly conserved position in the protein, it is predicted to be benign by multiple in silico algorithms, and/or has population frequency not consistent with disease.

NM_002691.4(POLD1):c.1992C>T (p.Leu664=)

Gene: POLD1 (DNA polymerase delta 1, catalytic subunit; plus strand). Cytogenetic location: 19q13.33.
Variant type: single nucleotide variant.
Coding change: c.1992C>T on transcript NM_002691.4 (MANE Select); coding-DNA position 1992, C replaced by T.
Protein change: p.Leu664=; no amino-acid change (leucine 664 retained).
Molecular consequence: synonymous variant. On other transcripts: non-coding transcript variant (1).
Genome position (GRCh38, 1-based): chr19:50,409,221, C>T. VCF-style: chr19-50409221-C-T. GRCh37 (hg19) VCF-style: chr19-50912478-C-T.
Other names: c.1992C>T, p.Leu664= (NM_001256849.1); c.2070C>T, p.Leu690= (NM_001308632.1); c.1992C>T (NM_002691.2).
Identifiers: ClinVar variation 387265 (VCV000387265.5), dbSNP rs1057522746, ClinGen allele CA16609023.